The following is an entry in ClinVar:

NM_001042492.3(NF1):c.2320A>T (p.Thr774Ser)

Gene: NF1 (neurofibromin 1; plus strand). Cytogenetic location: 17q11.2.
Variant type: single nucleotide variant.
Coding change: c.2320A>T on transcript NM_001042492.3 (MANE Select); coding-DNA position 2320, A replaced by T.
Protein change: p.Thr774Ser; replaces threonine 774 with serine.
Molecular consequence: missense variant.
Genome position (GRCh38, 1-based): chr17:31,227,286, A>T. VCF-style: chr17-31227286-A-T. GRCh37 (hg19) VCF-style: chr17-29554304-A-T.
Other names: c.2320A>T, p.Thr774Ser (NM_000267.4); short protein forms T774S.
Identifiers: ClinVar variation 1511625 (VCV001511625.6), dbSNP rs2151427000, ClinGen allele CA398982925.
Genomic context (GRCh38, chr17:31,227,286, plus strand): 5'-GCACTTCAGAAAAGAGTGATGGCACTGCTGAGGCGCATTGAGCATCCCACTGCAGGAAAC[A>T]CTGAGGTATGCCCTTAGCAACAGAAACACCCCTCCCAGGCGCCCACCCTCAATTTGGAAG-3'
Protein context (NP_001035957.1, residues 764-784): RRIEHPTAGN[Thr774Ser]EAWEDTHAKW

ClinVar aggregate classification (germline): Uncertain significance (1 of 4 stars; one submission).

Conditions:
Neurofibromatosis, type 1 (NF1). Also called: Neurofibromatosis, type I; Peripheral type neurofibromatosis; VON RECKLINGHAUSEN DISEASE; NEUROFIBROMATOSIS, TYPE I, SOMATIC. Identifiers: Orphanet 636, MedGen C0027831, MONDO:0018975, OMIM 162200. Disease mechanism: loss of function.

Submission:

Labcorp Genetics (formerly Invitae), Labcorp
Classification: Uncertain significance for Neurofibromatosis, type 1. Last evaluated: 2021-08-14. Review status: criteria provided, single submitter. Criteria: Invitae Variant Classification Sherloc (09022015). Collection method: clinical testing. Allele origin: germline.
Comment: This sequence change replaces threonine with serine at codon 774 of the NF1 protein (p.Thr774Ser). The threonine residue is weakly conserved and there is a small physicochemical difference between threonine and serine. This variant is not present in population databases (ExAC no frequency). This variant has not been reported in the literature in individuals affected with NF1-related conditions. Advanced modeling of protein sequence and biophysical properties (such as structural, functional, and spatial information, amino acid conservation, physicochemical variation, residue mobility, and thermodynamic stability) performed at Invitae indicates that this missense variant is not expected to disrupt NF1 protein function. In summary, the available evidence is currently insufficient to determine the role of this variant in disease. Therefore, it has been classified as a Variant of Uncertain Significance.